The following is an entry in ClinVar:

NM_000455.4(STK11):c.-1115-541_42del1698

Genes: STK11 (serine/threonine kinase 11; plus strand), LOC112543439 (Sharpr-MPRA regulatory region 734; plus strand), LOC130062893 (ATAC-STARR-seq lymphoblastoid active region 13593; plus strand), LOC130062894 (ATAC-STARR-seq lymphoblastoid silent region 9669; plus strand), LOC130062895 (ATAC-STARR-seq lymphoblastoid silent region 9670; plus strand). Cytogenetic location: 19p13.3.
Variant type: Deletion.
Coding change: c.-1115-541_42del1698 on transcript NM_000455.4; 541 bases into the intron before 1115 bases upstream of the start codon through coding-DNA position 42, 1,698 bases deleted.
Genome position (GRCh38, 1-based): chr19:1,205,258-1,206,955, 1,698 bases deleted. GRCh37 (hg19): chr19:1,205,257-1,206,954.
Identifiers: ClinVar variation 4865208 (VCV004865208.1).

ClinVar aggregate classification (germline): Likely pathogenic (1 of 4 stars; one submission).

Conditions:
Hereditary cancer-predisposing syndrome. Also called: Tumor predisposition; Hereditary neoplastic syndrome; Hereditary Cancer Syndrome; Neoplastic Syndromes, Hereditary. Identifiers: Orphanet 140162, MedGen C0027672, MeSH D009386, MONDO:0015356.

Submission:

Ambry Genetics
Classification: Likely pathogenic for Hereditary cancer-predisposing syndrome. Last evaluated: 2026-04-29. Review status: criteria provided, single submitter. Criteria: Ambry Variant Classification Scheme 2023. Collection method: clinical testing. Allele origin: germline.
Comment: The c.-1115-541_42del1698 gross deletion spans the non-coding region of exon 1 in the STK11 gene as well as the region upstream and results from the deletion of 1698 nucleotides between positions c.-1115-541 and c.42. Based on promoter deletion analysis, this gross deletion will impact the minimal STK11 promoter region; however, the exact functional effect of this variant is unknown (Yao M et al. Progress in Natural Science, 2008 Mar;18:273-280). This variant was reported in individual(s) with features consistent with Peutz-Jeghers syndrome (Ambry internal data). Based on the majority of available evidence to date, this variant is likely to be pathogenic.